The following is an entry in ClinVar:

NM_000368.5(TSC1):c.*2708G>C

Gene: TSC1 (TSC complex subunit 1; minus strand). Cytogenetic location: 9q34.13.
Variant type: single nucleotide variant.
Coding change: c.*2708G>C on transcript NM_000368.5 (MANE Select); 2708 bases downstream of the stop codon, G replaced by C.
Molecular consequence: 3 prime UTR variant.
Genome position (GRCh38, 1-based): chr9:132,893,527, C>G on the plus strand (G>C on the coding strand, the complement: TSC1 is on the minus strand). VCF-style: chr9-132893527-C-G. GRCh37 (hg19) VCF-style: chr9-135768914-C-G.
Other names: c.*2708G>C (NM_001162426.2, NM_001162427.2, NM_001362177.2).
Identifiers: ClinVar variation 365438 (VCV000365438.5), dbSNP rs150433809, ClinGen allele CA10626686.

ClinVar aggregate classification (germline): Benign. Review status: criteria provided, single submitter (1 of 4 stars). 2 submissions from 1 submitter: Benign (2). Last evaluated 2018-01-12.

Conditions:
Tuberous sclerosis 1 (TSC1). Identifiers: Orphanet 805, MedGen C1854465, MONDO:0008612, OMIM 191100.
Isolated focal cortical dysplasia type II (FCORD2). Also called: CORTICAL DYSPLASIA OF TAYLOR; Focal cortical dysplasia type II. Identifiers: Orphanet 268994, MedGen C1846385, MONDO:0011818, OMIM 607341, HP:0032051.

Allele frequency attached by ClinVar (database versions not stated): gnomAD exomes 0.00044; gnomAD 0.00263 and 0.00280; TOPMed 0.00288; 1000 Genomes Project 0.00359; 1000 Genomes Project 30x 0.00406.
gnomAD v4.1: 443 of 233,314 alleles (0.19%); highest among the groups gnomAD compares: African/African-American, 0.88%; 2 homozygotes.

Submissions (2):

Illumina Laboratory Services, Illumina
Classification: Benign for Isolated focal cortical dysplasia type II. Last evaluated: 2018-01-12. Review status: criteria provided, single submitter. Criteria: ICSL Variant Classification Criteria 13 December 2019. Collection method: clinical testing. Allele origin: germline.
Comment: This variant was observed in the ICSL laboratory as part of a predisposition screen in an ostensibly healthy population. It had not been previously curated by ICSL or reported in the Human Gene Mutation Database (HGMD: prior to June 1st, 2018), and was therefore a candidate for classification through an automated scoring system. Utilizing variant allele frequency, disease prevalence and penetrance estimates, and inheritance mode, an automated score was calculated to assess if this variant is too frequent to cause the disease. Based on the score and internal cut-off values, a variant classified as benign is not then subjected to further curation. The score for this variant resulted in a classification of benign for this disease.

Illumina Laboratory Services, Illumina
Classification: Benign for Tuberous sclerosis 1. Last evaluated: 2018-01-12. Review status: criteria provided, single submitter. Criteria: ICSL Variant Classification Criteria 13 December 2019. Collection method: clinical testing. Allele origin: germline.
Comment: the same text as in the submission from Illumina Laboratory Services, Illumina above.